The following is an entry in ClinVar:

ClinVar aggregate classification (germline): Conflicting classifications of pathogenicity. Review status: criteria provided, conflicting classifications (1 of 4 stars). 5 submissions from 5 submitters: Uncertain significance (4); Likely benign (1). Last evaluated 2025-09-27.

Conditions:
Familial adenomatous polyposis 4 (FAP4). Also called: MSH3-related attenuated familial adenomatous polyposis. Identifiers: Orphanet 480536, MedGen C4310719, MONDO:0044300, OMIM 617100.
Hereditary cancer-predisposing syndrome. Also called: Hereditary Cancer Syndrome; Tumor predisposition; Hereditary neoplastic syndrome; Neoplastic Syndromes, Hereditary. Identifiers: Orphanet 140162, MedGen C0027672, MeSH D009386, MONDO:0015356.

Allele frequency attached by ClinVar (database versions not stated): gnomAD exomes 0.00001 and 0.00002; ExAC 0.00002; TOPMed 0.00003; gnomAD 0.00004; ESP Exome Variant Server 0.00008.
gnomAD v4.1: 13 of 1,597,052 alleles (0.00081%); highest among the groups gnomAD compares: African/African-American, 0.017%; no homozygotes.

Submissions (5):

Labcorp Genetics (formerly Invitae), Labcorp
Classification: Likely benign. Last evaluated: 2025-09-27. Review status: criteria provided, single submitter. Criteria: Invitae Variant Classification Sherloc (09022015). Collection method: clinical testing. Allele origin: germline.

Ambry Genetics
Classification: Uncertain significance for Hereditary cancer-predisposing syndrome. Last evaluated: 2025-04-22. Review status: criteria provided, single submitter. Criteria: Ambry Variant Classification Scheme 2023. Collection method: clinical testing. Allele origin: germline.
Comment: The c.1653+4A>G intronic variant results from an A to G substitution 4 nucleotides after coding exon 11 in the MSH3 gene. This nucleotide position is well conserved in available vertebrate species. In silico splice site analysis predicts that this alteration will not have any significant effect on splicing; however, direct evidence is insufficient at this time (Ambry internal data). Since supporting evidence is limited at this time, the clinical significance of this alteration remains unclear.

GeneDx
Classification: Uncertain significance. Last evaluated: 2024-08-02. Review status: criteria provided, single submitter. Criteria: GeneDx Variant Classification Process June 2021. Collection method: clinical testing. Allele origin: germline. Affected: yes.
Comment: In silico analysis indicates that this variant does not alter splicing; Has not been previously published as pathogenic or benign to our knowledge

Department of Pathology and Laboratory Medicine, Sinai Health System
Classification: Uncertain significance for Familial adenomatous polyposis 4. Last evaluated: 2022-09-13. Review status: criteria provided, single submitter. Criteria: ACMG Guidelines, 2015. Collection method: clinical testing. Allele origin: germline. Affected: yes.

Sema4
Classification: Uncertain significance for Hereditary cancer-predisposing syndrome. Last evaluated: 2021-10-19. Review status: criteria provided, single submitter. Criteria: Sema4 Curation Guidelines. Collection method: curation. Allele origin: germline.
Comment: The MSH3 c.1653+4A>G variant has not been reported in the literature to our knowledge. It was observed in 5/16156 chromosomes of the African subpopulation in the large and broad cohorts of the Genome Aggregation Database (PMID: 32461654), and has been reported in ClinVar (Variation ID 647835). In silico tools suggest the variant may disrupt normal splicing, though these predictions have not been confirmed by functional studies. The evidence is insufficient to meet ACMG/AMP criteria for classifying the variant as benign or pathogenic. Thus, the clinical significance of this variant is currently uncertain.

NM_002439.5(MSH3):c.1653+4A>G

Gene: MSH3 (mutS homolog 3; plus strand). Cytogenetic location: 5q14.1.
Variant type: single nucleotide variant.
Coding change: c.1653+4A>G on transcript NM_002439.5 (MANE Select); 4 bases into the intron after coding-DNA position 1653, A replaced by G.
Molecular consequence: intron variant.
Genome position (GRCh38, 1-based): chr5:80,741,552, A>G. VCF-style: chr5-80741552-A-G. GRCh37 (hg19) VCF-style: chr5-80037371-A-G.
Identifiers: ClinVar variation 647835 (VCV000647835.18), dbSNP rs373786812, ClinGen allele CA3327989.